The following is an entry in ClinVar:

ClinVar aggregate classification (germline): Uncertain significance (1 of 4 stars; one submission).

Submission:

Labcorp Genetics (formerly Invitae), Labcorp
Classification: Uncertain significance. Last evaluated: 2025-05-14. Review status: criteria provided, single submitter. Criteria: Invitae Variant Classification Sherloc (09022015). Collection method: clinical testing. Allele origin: germline.
Comment: This sequence change replaces lysine, which is basic and polar, with arginine, which is basic and polar, at codon 124 of the TSEN34 protein (p.Lys124Arg). This variant is present in population databases (rs552376661, gnomAD 0.01%). This variant has not been reported in the literature in individuals affected with TSEN34-related conditions. An algorithm developed to predict the effect of missense changes on protein structure and function outputs the following: PolyPhen-2: "Benign". The arginine amino acid residue is found in multiple mammalian species, which suggests that this missense change does not adversely affect protein function. In summary, the available evidence is currently insufficient to determine the role of this variant in disease. Therefore, it has been classified as a Variant of Uncertain Significance.

NM_001077446.4(TSEN34):c.371A>G (p.Lys124Arg)

Gene: TSEN34 (tRNA splicing endonuclease subunit 34; plus strand). Cytogenetic location: 19q13.42.
Variant type: single nucleotide variant.
Coding change: c.371A>G on transcript NM_001077446.4 (MANE Select); coding-DNA position 371, A replaced by G.
Protein change: p.Lys124Arg; replaces lysine 124 with arginine.
Molecular consequence: missense variant.
Genome position (GRCh38, 1-based): chr19:54,191,848, A>G. VCF-style: chr19-54191848-A-G. GRCh37 (hg19) VCF-style: chr19-54695699-A-G.
Other names: c.371A>G, p.Lys124Arg (NM_001282332.2, NM_001282333.2, NM_001386740.1 and 1 more transcripts); short protein forms K124R.
Identifiers: ClinVar variation 4708943 (VCV004708943.1).